The following is an entry in ClinVar:

ClinVar aggregate classification (germline): Uncertain significance (1 of 4 stars; one submission).

Conditions:
EGFR-related lung cancer (EGFR). Identifiers: MedGen CN130014.

Submission:

Labcorp Genetics (formerly Invitae), Labcorp
Classification: Uncertain significance for EGFR-related lung cancer. Last evaluated: 2021-04-30. Review status: criteria provided, single submitter. Criteria: Invitae Variant Classification Sherloc (09022015). Collection method: clinical testing. Allele origin: germline.
Comment: Algorithms developed to predict the effect of missense changes on protein structure and function (SIFT, PolyPhen-2, Align-GVGD) all suggest that this variant is likely to be tolerated, but these predictions have not been confirmed by published functional studies and their clinical significance is uncertain. This sequence change replaces asparagine with aspartic acid at codon 578 of the EGFR protein (p.Asn578Asp). The asparagine residue is weakly conserved and there is a small physicochemical difference between asparagine and aspartic acid. This variant is not present in population databases (ExAC no frequency). This variant has not been reported in the literature in individuals with EGFR-related conditions. In summary, the available evidence is currently insufficient to determine the role of this variant in disease. Therefore, it has been classified as a Variant of Uncertain Significance.

NM_005228.5(EGFR):c.1732A>G (p.Asn578Asp)

Gene: EGFR (epidermal growth factor receptor; plus strand). Cytogenetic location: 7p11.2.
Variant type: single nucleotide variant.
Coding change: c.1732A>G on transcript NM_005228.5 (MANE Select); coding-DNA position 1732, A replaced by G.
Protein change: p.Asn578Asp; replaces asparagine 578 with aspartic acid.
Molecular consequence: missense variant.
Genome position (GRCh38, 1-based): chr7:55,165,289, A>G. VCF-style: chr7-55165289-A-G. GRCh37 (hg19) VCF-style: chr7-55232982-A-G.
Other names: c.1597A>G, p.Asn533Asp (NM_001346897.2, NM_001346899.2); c.1732A>G, p.Asn578Asp (NM_001346898.2, NM_201282.2, NM_201284.2); c.1573A>G, p.Asn525Asp (NM_001346900.2); c.931A>G, p.Asn311Asp (NM_001346941.2); short protein forms N311D, N525D, N533D, N578D.
Identifiers: ClinVar variation 1445866 (VCV001445866.8), dbSNP rs2128946075, ClinGen allele CA367580630.
Genomic context (GRCh38, chr7:55,165,289, plus strand): 5'-AAAGAGAAAAGAAAGAGACATGCATGAACATTTTTCTCCACCTTGGTGCAGGGACCAGAC[A>G]ACTGTATCCAGTGTGCCCACTACATTGACGGCCCCCACTGCGTCAAGACCTGCCCGGCAG-3'
Protein context (NP_005219.2, residues 568-588): NITCTGRGPD[Asn578Asp]CIQCAHYIDG